The following is an entry in ClinVar:

NM_006254.4(PRKCD):c.1781C>T (p.Thr594Ile)

Gene: PRKCD (protein kinase C delta; plus strand). Cytogenetic location: 3p21.1.
Variant type: single nucleotide variant.
Coding change: c.1781C>T on transcript NM_006254.4 (MANE Select); coding-DNA position 1781, C replaced by T.
Protein change: p.Thr594Ile; replaces threonine 594 with isoleucine.
Molecular consequence: missense variant.
Genome position (GRCh38, 1-based): chr3:53,189,910, C>T. VCF-style: chr3-53189910-C-T. GRCh37 (hg19) VCF-style: chr3-53223926-C-T.
Other names: p.Thr594Ile; c.1781C>T, p.Thr594Ile (NM_001316327.2, NM_001354679.2, NM_001354680.2 and 1 more transcripts); c.1838C>T, p.Thr613Ile (NM_001354676.2); c.1829C>T, p.Thr610Ile (NM_001354678.2); short protein forms T610I, T594I, T613I.
Identifiers: ClinVar variation 3309988 (VCV003309988.2).

ClinVar aggregate classification (germline): Uncertain significance. Review status: criteria provided, multiple submitters, no conflicts (2 of 4 stars). 2 submissions from 2 submitters: Uncertain significance (2). Last evaluated 2025-11-13.

Conditions:
Inborn genetic diseases. Identifiers: MedGen C0950123, MeSH D030342.

gnomAD v4.1: 67 of 1,614,022 alleles (0.0042%); highest among the groups gnomAD compares: African/African-American, 0.073%; no homozygotes.

Submissions (2):

Mayo Clinic Laboratories, Mayo Clinic
Classification: Uncertain significance. Last evaluated: 2025-11-13. Review status: criteria provided, single submitter. Criteria: ACMG Guidelines, 2015. Collection method: clinical testing. Allele origin: germline. Observed: 1 variant allele.
Comment: BP4_moderate

Ambry Genetics
Classification: Uncertain significance for Inborn genetic diseases. Last evaluated: 2024-05-01. Review status: criteria provided, single submitter. Criteria: Ambry Variant Classification Scheme 2023. Collection method: clinical testing. Allele origin: germline.